The following is an entry in ClinVar:

Conditions:
Breast-ovarian cancer, familial, susceptibility to, 1 (BROVCA1). Also called: BRCA1 Hereditary Breast and Ovarian Cancer; OVARIAN CANCER, SUSCEPTIBILITY TO. Identifiers: Orphanet 145, MedGen C2676676, MONDO:0011450, OMIM 604370. Disease mechanism: loss of function.

Allele frequency attached by ClinVar (database versions not stated): gnomAD exomes below 0.00001.
gnomAD v4.1: 1 of 1,614,132 alleles (0.000062%); highest among the groups gnomAD compares: South Asian, 0.0011%; no homozygotes.

Submission:

Brotman Baty Institute, University of Washington
No classification provided (evidence only). Condition: Breast-ovarian cancer, familial 1. Review status: no classification provided. Collection method: in vitro. Allele origin: not applicable. Functional consequence: functionally_normal.
ClinVar note: "not provided" was previously submitted as the classification for the variant. However, the classification appeared to be based only on an observation of functional data so it was converted to no classification on 2025-07-30.

NM_007294.4(BRCA1):c.5505A>C (p.Arg1835=)

Gene: BRCA1 (BRCA1 DNA repair associated; minus strand). Cytogenetic location: 17q21.31.
Variant type: single nucleotide variant.
Coding change: c.5505A>C on transcript NM_007294.4 (MANE Select); coding-DNA position 5505, A replaced by C.
Protein change: p.Arg1835=; no amino-acid change (arginine 1835 retained).
Molecular consequence: synonymous variant. On other transcripts: 3 prime UTR variant (17).
Genome position (GRCh38, 1-based): chr17:43,045,765, T>G on the plus strand (A>C on the coding strand, the complement: BRCA1 is on the minus strand). VCF-style: chr17-43045765-T-G. GRCh37 (hg19) VCF-style: chr17-41197782-T-G.
Other names: c.5427A>C, p.Arg1809= (NM_001407655.1, NM_001407652.1, NM_001407653.1 and 1 more transcripts); c.5424A>C, p.Arg1808= (NM_001407656.1, NM_001407657.1, NM_001407658.1); c.5421A>C, p.Arg1807= (NM_001407659.1, NM_001407660.1, NM_001407661.1 and 2 more transcripts); c.5382A>C, p.Arg1794= (NM_001407664.1, NM_001407665.1, NM_001407666.1 and 3 more transcripts); c.5379A>C, p.Arg1793= (NM_001407670.1, NM_001407671.1, NM_001407672.1 and 8 more transcripts); c.5376A>C, p.Arg1792= (NM_001407681.1, NM_001407682.1, NM_001407683.1 and 6 more transcripts); c.5373A>C, p.Arg1791= (NM_001407690.1, NM_001407691.1); c.5364A>C, p.Arg1788= (NM_001407692.1, NM_001407694.1, NM_001407695.1 and 12 more transcripts); and 74 more.
Identifiers: ClinVar variation 867607 (VCV000867607.3), dbSNP rs2050879074, ClinGen allele CA500142911.
Genomic context (GRCh38, chr17:43,045,765, plus strand): 5'-TATCAGGTAGGTGTCCAGCTCCTGGCACTGGTAGAGTGCTACACTGTCCAACACCCACTC[T>G]CGGGTCACCACAGGTGCCTCACACATCTGCCCAATTGCTGGAGACAGAGAACACAAGCAG-3'
Protein context (NP_009225.1, residues 1825-1845): GQMCEAPVVT[Arg1835=]EWVLDSVALY